The following is an entry in ClinVar:

ClinVar aggregate classification (germline): Benign. Review status: criteria provided, multiple submitters, no conflicts (2 of 4 stars). 3 submissions from 3 submitters: Benign (2). 1 of the submissions does not count toward it. Last evaluated 2019-12-31.

Conditions:
DSCAM-related disorder. Also called: DSCAM-related condition.

Allele frequency attached by ClinVar (database versions not stated): gnomAD exomes 0.00099 and 0.00152; ExAC 0.00152; gnomAD 0.00208 and 0.00217; ESP Exome Variant Server 0.00224; TOPMed 0.00247; 1000 Genomes Project 0.00379; 1000 Genomes Project 30x 0.00422.
gnomAD v4.1: 1,836 of 1,613,010 alleles (0.11%); highest among the groups gnomAD compares: Middle Eastern, 2.2%; 9 homozygotes.

Submissions (3):

Labcorp Genetics (formerly Invitae), Labcorp
Classification: Benign. Last evaluated: 2019-12-31. Review status: criteria provided, single submitter. Criteria: Invitae Variant Classification Sherloc (09022015). Collection method: clinical testing. Allele origin: germline.

Breakthrough Genomics
Classification: Benign. Review status: criteria provided, single submitter. Criteria: ACMG Guidelines, 2015. Collection method: not provided. Allele origin: germline. Inheritance: Unknown mechanism. Affected: yes.

PreventionGenetics, part of Exact Sciences
Classification: Benign for DSCAM-related condition. Last evaluated: 2023-12-21. Review status: no assertion criteria provided. Collection method: clinical testing. Allele origin: germline. Not counted in ClinVar's aggregate classification.
Comment: This variant is classified as benign based on ACMG/AMP sequence variant interpretation guidelines (Richards et al. 2015 PMID: 25741868, with internal and published modifications).

NM_001389.5(DSCAM):c.5383+9T>A

Gene: DSCAM (DS cell adhesion molecule; minus strand). Cytogenetic location: 21q22.2.
Variant type: single nucleotide variant.
Coding change: c.5383+9T>A on transcript NM_001389.5 (MANE Select); 9 bases into the intron after coding-DNA position 5383, T replaced by A.
Molecular consequence: intron variant.
Genome position (GRCh38, 1-based): chr21:40,044,069, A>T on the plus strand (T>A on the coding strand, the complement: DSCAM is on the minus strand). VCF-style: chr21-40044069-A-T. GRCh37 (hg19) VCF-style: chr21-41415996-A-T.
Other names: c.5383+9T>A (NM_001271534.3).
Identifiers: ClinVar variation 787505 (VCV000787505.7), dbSNP rs200011504, ClinGen allele CA10030346.